The following is an entry in ClinVar:

ClinVar aggregate classification (germline): Uncertain significance. Review status: criteria provided, multiple submitters, no conflicts (2 of 4 stars). 2 submissions from 2 submitters: Uncertain significance (2). Last evaluated 2023-10-17.

Conditions:
Cardiovascular phenotype. Identifiers: MedGen CN230736.

Allele frequency attached by ClinVar (database versions not stated): TOPMed below 0.00001; gnomAD exomes 0.00001.
gnomAD v4.1: 11 of 1,613,984 alleles (0.00068%); highest among the groups gnomAD compares: Non-Finnish European, 0.00093%; no homozygotes.

Submissions (2):

GeneDx
Classification: Uncertain significance. Last evaluated: 2023-10-17. Review status: criteria provided, single submitter. Criteria: GeneDx Variant Classification Process June 2021. Collection method: clinical testing. Allele origin: germline. Affected: yes.
Comment: Not observed at significant frequency in large population cohorts (gnomAD); In silico analysis supports that this missense variant has a deleterious effect on protein structure/function; Has not been previously published as pathogenic or benign to our knowledge

Ambry Genetics
Classification: Uncertain significance for Cardiovascular phenotype. Last evaluated: 2019-05-15. Review status: criteria provided, single submitter. Criteria: Ambry Variant Classification Scheme 2023. Collection method: clinical testing. Allele origin: germline.
Comment: The p.K2083N variant (also known as c.6249G>C), located in coding exon 38 of the FLNC gene, results from a G to C substitution at nucleotide position 6249. The lysine at codon 2083 is replaced by asparagine, an amino acid with similar properties. This amino acid position is highly conserved in available vertebrate species. In addition, this alteration is predicted to be tolerated by in silico analysis. Since supporting evidence is limited at this time, the clinical significance of this alteration remains unclear.

NM_001458.5(FLNC):c.6249G>C (p.Lys2083Asn)

Genes: FLNC (filamin C; plus strand), FLNC-AS1 (FLNC antisense RNA 1; minus strand). Cytogenetic location: 7q32.1.
Variant type: single nucleotide variant.
Coding change: c.6249G>C on transcript NM_001458.5 (MANE Select); coding-DNA position 6249, G replaced by C.
Protein change: p.Lys2083Asn; replaces lysine 2083 with asparagine.
Molecular consequence: missense variant.
Genome position (GRCh38, 1-based): chr7:128,853,509, G>C. VCF-style: chr7-128853509-G-C. GRCh37 (hg19) VCF-style: chr7-128493563-G-C.
Other names: c.6150G>C, p.Lys2050Asn (NM_001127487.2); short protein forms K2083N, K2050N.
Identifiers: ClinVar variation 1752417 (VCV001752417.3), dbSNP rs1170342172, ClinGen allele CA369211901.